The following is an entry in ClinVar:

ClinVar aggregate classification (germline): Likely pathogenic (0 of 4 stars; one submission).

Conditions:
Microcephaly 2, primary, autosomal recessive, with or without cortical malformations. Also called: MICROCEPHALY 2, PRIMARY, AUTOSOMAL RECESSIVE, WITH CORTICAL MALFORMATIONS; WDR62 Primary Microcephaly. Identifiers: Orphanet 2512, MedGen C1858535, MONDO:0011435, OMIM 604317.

Allele frequency attached by ClinVar (database versions not stated): TOPMed 0.00002.
gnomAD v4.1: 3 of 1,605,806 alleles (0.00019%); highest among the groups gnomAD compares: East Asian, 0.0067%; no homozygotes.

Submission:

Department of Rehabilitation Medicine, Incheon St. Mary’s Hospital, College of Medicine, The Catholic University of Korea
Classification: Likely pathogenic for Microcephaly 2, primary, autosomal recessive, with or without cortical malformations. Last evaluated: 2019-06-21. Review status: no assertion criteria provided. Collection method: clinical testing. Allele origin: paternal. Inheritance: Autosomal recessive inheritance. Affected: yes.
Comment: In addition, through parent tests, the variants were confirmed as trans.

NM_001083961.2(WDR62):c.1684C>G (p.His562Asp)

Gene: WDR62 (WD repeat domain 62; plus strand). Cytogenetic location: 19q13.12.
Variant type: single nucleotide variant.
Coding change: c.1684C>G on transcript NM_001083961.2 (MANE Select); coding-DNA position 1684, C replaced by G.
Protein change: p.His562Asp; replaces histidine 562 with aspartic acid.
Molecular consequence: missense variant.
Genome position (GRCh38, 1-based): chr19:36,086,728, C>G. VCF-style: chr19-36086728-C-G. GRCh37 (hg19) VCF-style: chr19-36577630-C-G.
Other names: c.1684C>G, p.His562Asp (NM_173636.5); short protein forms H562D.
Identifiers: ClinVar variation 635183 (VCV000635183.2), dbSNP rs1379578836, ClinGen allele CA405439160.
Genomic context (GRCh38, chr19:36,086,728, plus strand): 5'-TCATTCTCTCCTCTCACAGGGCTGACCTTGCTGGCCTCAGCCAGTCGGGACCGGCTGATC[C>G]ATGTGCTGAACGTGGAGAAGAACTACAACCTGGAGCAGACGCTGGATGACCACTCCTCCT-3'
Protein context (NP_001077430.1, residues 552-572): LASASRDRLI[His562Asp]VLNVEKNYNL